The following is an entry in ClinVar:

ClinVar aggregate classification (germline): Uncertain significance (1 of 4 stars; one submission).

Conditions:
Werner syndrome (WRN). Identifiers: Orphanet 902, MedGen C0043119, MONDO:0010196, OMIM 277700.

Submission:

Labcorp Genetics (formerly Invitae), Labcorp
Classification: Uncertain significance for Werner syndrome. Last evaluated: 2023-05-02. Review status: criteria provided, single submitter. Criteria: Invitae Variant Classification Sherloc (09022015). Collection method: clinical testing. Allele origin: germline.
Comment: This sequence change replaces asparagine, which is neutral and polar, with lysine, which is basic and polar, at codon 178 of the WRN protein (p.Asn178Lys). In summary, the available evidence is currently insufficient to determine the role of this variant in disease. Therefore, it has been classified as a Variant of Uncertain Significance. An algorithm developed to predict the effect of missense changes on protein structure and function (PolyPhen-2) suggests that this variant is likely to be disruptive. ClinVar contains an entry for this variant (Variation ID: 1482907). This variant has not been reported in the literature in individuals affected with WRN-related conditions. This variant is not present in population databases (gnomAD no frequency).

NM_000553.6(WRN):c.534C>G (p.Asn178Lys)

Gene: WRN (WRN RecQ like helicase; plus strand). Cytogenetic location: 8p12.
Variant type: single nucleotide variant.
Coding change: c.534C>G on transcript NM_000553.6 (MANE Select); coding-DNA position 534, C replaced by G.
Protein change: p.Asn178Lys; replaces asparagine 178 with lysine.
Molecular consequence: missense variant.
Genome position (GRCh38, 1-based): chr8:31,067,062, C>G. VCF-style: chr8-31067062-C-G. GRCh37 (hg19) VCF-style: chr8-30924578-C-G.
Other names: short protein forms N178K.
Identifiers: ClinVar variation 1482907 (VCV001482907.6), dbSNP rs2130049265, ClinGen allele CA370915950.
Genomic context (GRCh38, chr8:31,067,062, plus strand): 5'-TTTTACTGTGTTGCTTTTTCATCATTTCTAGCTGAAATGCACAGAGACCTGGAGCCTTAA[C>G]AGTCTGGTTAAACACCTCTTAGGTAAACAGCTCCTGAAAGACAAGTCTATCCGCTGTAGC-3'
Protein context (NP_000544.2, residues 168-188): KLKCTETWSL[Asn178Lys]SLVKHLLGKQ